The following is an entry in ClinVar:

ClinVar aggregate classification (germline): Uncertain significance. Review status: criteria provided, multiple submitters, no conflicts (2 of 4 stars). 7 submissions from 7 submitters: Uncertain significance (7). Last evaluated 2025-12-01.

Conditions:
Autosomal recessive ataxia, Beauce type. Also called: SYNE1 Deficiency; Spinocerebellar ataxia, autosomal recessive 8; SYNE1-Related Autosomal Recessive Cerebellar Ataxia; ATAXIA, RECESSIVE, OF BEAUCE. Identifiers: Orphanet 88644, MedGen C1853116, MONDO:0012549, OMIM 610743.
Emery-Dreifuss muscular dystrophy 4, autosomal dominant (EDMD4). Also called: EMERY-DREIFUSS MUSCULAR DYSTROPHY 4 WITH VARIABLE FEATURES. Identifiers: Orphanet 261, MedGen C2751807, MONDO:0013071, OMIM 612998.

Allele frequency attached by ClinVar (database versions not stated): ESP Exome Variant Server 0.00008; ExAC 0.00011; gnomAD 0.00015 and 0.00016; gnomAD exomes 0.00015 and 0.00016; TOPMed 0.00019; 1000 Genomes Project 0.00020; 1000 Genomes Project 30x 0.00031.
gnomAD v4.1: 250 of 1,614,202 alleles (0.015%); highest among the groups gnomAD compares: Admixed American, 0.073%; no homozygotes.

Submissions (7):

CeGaT Center for Human Genetics Tuebingen
Classification: Uncertain significance. Last evaluated: 2025-12-01. Review status: criteria provided, single submitter. Criteria: CeGaT Center For Human Genetics Tuebingen Variant Classification Criteria Version 2. Collection method: clinical testing. Allele origin: germline. Affected: yes. Observed: 1 variant allele.
Comment: SYNE1: PM2

Revvity Omics, Revvity
Classification: Uncertain significance. Last evaluated: 2023-09-27. Review status: criteria provided, single submitter. Criteria: ACMG Guidelines, 2015. Collection method: clinical testing. Allele origin: germline.

Labcorp Genetics (formerly Invitae), Labcorp
Classification: Uncertain significance for Emery-Dreifuss muscular dystrophy 4, autosomal dominant; Autosomal recessive ataxia, Beauce type. Last evaluated: 2022-07-12. Review status: criteria provided, single submitter. Criteria: Invitae Variant Classification Sherloc (09022015). Collection method: clinical testing. Allele origin: germline.
Comment: This sequence change replaces valine, which is neutral and non-polar, with isoleucine, which is neutral and non-polar, at codon 3968 of the SYNE1 protein (p.Val3968Ile). This variant is present in population databases (rs199774691, gnomAD 0.07%). This variant has not been reported in the literature in individuals affected with SYNE1-related conditions. ClinVar contains an entry for this variant (Variation ID: 497581). Algorithms developed to predict the effect of missense changes on protein structure and function (SIFT, PolyPhen-2, Align-GVGD) all suggest that this variant is likely to be disruptive. In summary, the available evidence is currently insufficient to determine the role of this variant in disease. Therefore, it has been classified as a Variant of Uncertain Significance.

GeneDx
Classification: Uncertain significance. Last evaluated: 2021-10-06. Review status: criteria provided, single submitter. Criteria: GeneDx Variant Classification Process June 2021. Collection method: clinical testing. Allele origin: germline. Affected: yes.
Comment: In silico analysis supports that this missense variant does not alter protein structure/function; Has not been previously published as pathogenic or benign to our knowledge

Athena Diagnostics
Classification: Uncertain significance. Last evaluated: 2021-02-15. Review status: criteria provided, single submitter. Criteria: Athena Diagnostics criteria. Collection method: clinical testing. Allele origin: unknown.

Fulgent Genetics
Classification: Uncertain significance for Autosomal recessive ataxia, Beauce type; Emery-Dreifuss muscular dystrophy 4, autosomal dominant. Last evaluated: 2018-10-31. Review status: criteria provided, single submitter. Criteria: ACMG Guidelines, 2015. Collection method: clinical testing. Allele origin: unknown.

Eurofins Ntd Llc (ga)
Classification: Uncertain significance. Last evaluated: 2016-10-04. Review status: criteria provided, single submitter. Criteria: EGL Classification Definitions 2015. Collection method: clinical testing. Allele origin: germline. Observed: 1 variant allele, 1 heterozygote.

NM_182961.4(SYNE1):c.12115G>A (p.Val4039Ile)

Gene: SYNE1 (spectrin repeat containing nuclear envelope protein 1; minus strand). Cytogenetic location: 6q25.2.
Variant type: single nucleotide variant.
Coding change: c.12115G>A on transcript NM_182961.4 (MANE Select); coding-DNA position 12115, G replaced by A.
Protein change: p.Val4039Ile; replaces valine 4039 with isoleucine.
Molecular consequence: missense variant.
Genome position (GRCh38, 1-based): chr6:152,344,191, C>T on the plus strand (G>A on the coding strand, the complement: SYNE1 is on the minus strand). VCF-style: chr6-152344191-C-T. GRCh37 (hg19) VCF-style: chr6-152665326-C-T.
Other names: c.11902G>A, p.Val3968Ile (NM_033071.5); short protein forms V3968I, V4039I.
Identifiers: ClinVar variation 497581 (VCV000497581.21), dbSNP rs199774691, ClinGen allele CA4056502.